The following is an entry in ClinVar:

NM_000836.4(GRIN2D):c.1178C>G (p.Thr393Ser)

Gene: GRIN2D (glutamate ionotropic receptor NMDA type subunit 2D; plus strand). Cytogenetic location: 19q13.33.
Variant type: single nucleotide variant.
Coding change: c.1178C>G on transcript NM_000836.4 (MANE Select); coding-DNA position 1178, C replaced by G.
Protein change: p.Thr393Ser; replaces threonine 393 with serine.
Molecular consequence: missense variant.
Genome position (GRCh38, 1-based): chr19:48,414,083, C>G. VCF-style: chr19-48414083-C-G. GRCh37 (hg19) VCF-style: chr19-48917340-C-G.
Other names: short protein forms T393S.
Identifiers: ClinVar variation 1347270 (VCV001347270.8), dbSNP rs778622196, ClinGen allele CA9550477.

ClinVar aggregate classification (germline): Uncertain significance (1 of 4 stars; one submission).

Allele frequency attached by ClinVar (database versions not stated): TOPMed below 0.00001; ExAC 0.00001; gnomAD 0.00001; gnomAD exomes 0.00001.
gnomAD v4.1: 14 of 1,606,044 alleles (0.00087%); highest among the groups gnomAD compares: Non-Finnish European, 0.0012%; no homozygotes.

Submission:

Labcorp Genetics (formerly Invitae), Labcorp
Classification: Uncertain significance. Last evaluated: 2021-07-14. Review status: criteria provided, single submitter. Criteria: Invitae Variant Classification Sherloc (09022015). Collection method: clinical testing. Allele origin: germline.
Comment: This sequence change replaces threonine with serine at codon 393 of the GRIN2D protein (p.Thr393Ser). The threonine residue is moderately conserved and there is a small physicochemical difference between threonine and serine. This variant is present in population databases (rs778622196, ExAC 0.002%). This variant has not been reported in the literature in individuals with GRIN2D-related conditions. Advanced modeling of protein sequence and biophysical properties (such as structural, functional, and spatial information, amino acid conservation, physicochemical variation, residue mobility, and thermodynamic stability) performed at Invitae indicates that this missense variant is not expected to disrupt GRIN2D protein function. Algorithms developed to predict the effect of sequence changes on RNA splicing suggest that this variant may create or strengthen a splice site, but this prediction has not been confirmed by published transcriptional studies. In summary, the available evidence is currently insufficient to determine the role of this variant in disease. Therefore, it has been classified as a Variant of Uncertain Significance.